The following is an entry in ClinVar:

NM_015295.3(SMCHD1):c.5504T>C (p.Ile1835Thr)

Gene: SMCHD1 (structural maintenance of chromosomes flexible hinge domain containing 1; plus strand). Cytogenetic location: 18p11.32.
Variant type: single nucleotide variant.
Coding change: c.5504T>C on transcript NM_015295.3 (MANE Select); coding-DNA position 5504, T replaced by C.
Protein change: p.Ile1835Thr; replaces isoleucine 1835 with threonine.
Molecular consequence: missense variant.
Genome position (GRCh38, 1-based): chr18:2,778,196, T>C. VCF-style: chr18-2778196-T-C. GRCh37 (hg19) VCF-style: chr18-2778194-T-C.
Other names: c.5504T>C (NM_015295.2); short protein forms I1835T.
Identifiers: ClinVar variation 2746046 (VCV002746046.4), dbSNP rs2510160118, ClinGen allele CA401686620.
Genomic context (GRCh38, chr18:2,778,196, plus strand): 5'-TAATTTTCAAAATTCATTTATTGACTTTTTTAGTATTTGGTATGCTGTTAGGAGACACCA[T>C]TATTTTGGATAATCTGGATGCGGCCAATCATTATAGAAAAGAGGTATGTATTTGATTTCT-3'
Protein context (NP_056110.2, residues 1825-1845): TVFGMLLGDT[Ile1835Thr]ILDNLDAANH

ClinVar aggregate classification (germline): Uncertain significance. Review status: criteria provided, multiple submitters, no conflicts (2 of 4 stars). 2 submissions from 2 submitters: Uncertain significance (2). Last evaluated 2024-11-27.

Conditions:
Facioscapulohumeral muscular dystrophy 2 (FSHD2). Also called: MUSCULAR DYSTROPHY, FACIOSCAPULOHUMERAL, TYPE 1B; FACIOSCAPULOHUMERAL MUSCULAR DYSTROPHY 2, DIGENIC; FSHD2, DIGENIC. Identifiers: Orphanet 269, MedGen C1834671, MONDO:0008031, OMIM 158901.

Submissions (2):

Labcorp Genetics (formerly Invitae), Labcorp
Classification: Uncertain significance for Facioscapulohumeral muscular dystrophy 2. Last evaluated: 2024-11-27. Review status: criteria provided, single submitter. Criteria: Invitae Variant Classification Sherloc (09022015). Collection method: clinical testing. Allele origin: germline.
Comment: This sequence change replaces isoleucine, which is neutral and non-polar, with threonine, which is neutral and polar, at codon 1835 of the SMCHD1 protein (p.Ile1835Thr). This variant is not present in population databases (gnomAD no frequency). This variant has not been reported in the literature in individuals affected with SMCHD1-related conditions. ClinVar contains an entry for this variant (Variation ID: 2746046). Invitae Evidence Modeling of protein sequence and biophysical properties (such as structural, functional, and spatial information, amino acid conservation, physicochemical variation, residue mobility, and thermodynamic stability) indicates that this missense variant is expected to disrupt SMCHD1 protein function with a positive predictive value of 80%. In summary, the available evidence is currently insufficient to determine the role of this variant in disease. Therefore, it has been classified as a Variant of Uncertain Significance.

Revvity Omics, Revvity
Classification: Uncertain significance. Last evaluated: 2023-11-28. Review status: criteria provided, single submitter. Criteria: ACMG Guidelines, 2015. Collection method: clinical testing. Allele origin: germline.